The following is an entry in ClinVar:

ClinVar aggregate classification (germline): Likely benign. Review status: criteria provided, multiple submitters, no conflicts (2 of 4 stars). 3 submissions from 3 submitters: Likely benign (2). 1 of the submissions does not count toward it. Last evaluated 2025-07-31.

Conditions:
KATNIP-related disorder. Also called: KATNIP-related condition.

Allele frequency attached by ClinVar (database versions not stated): gnomAD exomes 0.00002; gnomAD 0.00003; TOPMed 0.00005; ExAC 0.00007; ESP Exome Variant Server 0.00015; 1000 Genomes Project 30x 0.00031; 1000 Genomes Project 0.00040.
gnomAD v4.1: 36 of 1,614,082 alleles (0.0022%); highest among the groups gnomAD compares: East Asian, 0.011%; no homozygotes.

Submissions (3):

Labcorp Genetics (formerly Invitae), Labcorp
Classification: Likely benign. Last evaluated: 2025-07-31. Review status: criteria provided, single submitter. Criteria: Invitae Variant Classification Sherloc (09022015). Collection method: clinical testing. Allele origin: germline.

Blueprint Genetics
Classification: Likely benign. Last evaluated: 2024-01-19. Review status: criteria provided, single submitter. Criteria: ACMG Guidelines, 2015. Collection method: clinical testing. Allele origin: germline.

PreventionGenetics, part of Exact Sciences
Classification: Likely benign for KATNIP-related condition. Last evaluated: 2019-04-04. Review status: no assertion criteria provided. Collection method: clinical testing. Allele origin: germline. Not counted in ClinVar's aggregate classification.
Comment: This variant is classified as likely benign based on ACMG/AMP sequence variant interpretation guidelines (Richards et al. 2015 PMID: 25741868, with internal and published modifications).

NM_015202.5(KATNIP):c.3777C>T (p.Pro1259=)

Gene: KATNIP (katanin interacting protein; plus strand). Cytogenetic location: 16p12.1.
Variant type: single nucleotide variant.
Coding change: c.3777C>T on transcript NM_015202.5 (MANE Select); coding-DNA position 3777, C replaced by T.
Protein change: p.Pro1259=; no amino-acid change (proline 1259 retained).
Molecular consequence: synonymous variant.
Genome position (GRCh38, 1-based): chr16:27,761,558, C>T. VCF-style: chr16-27761558-C-T. GRCh37 (hg19) VCF-style: chr16-27772879-C-T.
Identifiers: ClinVar variation 3058500 (VCV003058500.4), dbSNP rs142583518, ClinGen allele CA7978368.